The following is an entry in ClinVar:

ClinVar aggregate classification (germline): Uncertain significance (1 of 4 stars; one submission).

Conditions:
PLXNA4-related disorder. Also called: PLXNA4-related condition.

gnomAD v4.1: 41 of 1,614,006 alleles (0.0025%); highest among the groups gnomAD compares: East Asian, 0.011%; 1 homozygote.

Submission:

PreventionGenetics, part of Exact Sciences
Classification: Uncertain significance for PLXNA4-related condition. Last evaluated: 2026-09-17. Review status: criteria provided, single submitter. Criteria: ACMG Guidelines, 2015. Collection method: clinical testing. Allele origin: germline.
Comment: The PLXNA4 c.1096C>T variant is predicted to result in the amino acid substitution p.Arg366Cys. To our knowledge, this variant has not been reported in the literature. This variant is reported in 0.018% of alleles in individuals of African descent in gnomAD. At this time, the clinical significance of this variant is uncertain due to the absence of conclusive functional and genetic evidence.

NM_020911.2(PLXNA4):c.1096C>T (p.Arg366Cys)

Gene: PLXNA4 (plexin A4; minus strand). Cytogenetic location: 7q32.3.
Variant type: single nucleotide variant.
Coding change: c.1096C>T on transcript NM_020911.2 (MANE Select); coding-DNA position 1096, C replaced by T.
Protein change: p.Arg366Cys; replaces arginine 366 with cysteine.
Molecular consequence: missense variant.
Genome position (GRCh38, 1-based): chr7:132,507,598, G>A on the plus strand (C>T on the coding strand, the complement: PLXNA4 is on the minus strand). VCF-style: chr7-132507598-G-A. GRCh37 (hg19) VCF-style: chr7-132192357-G-A.
Other names: c.1096C>T, p.Arg366Cys (NM_001105543.2, NM_001393897.1, NM_181775.4); short protein forms R366C.
Identifiers: ClinVar variation 4981479 (VCV004981479.1).
Genomic context (GRCh38, chr7:132,507,598, plus strand): 5'-GCCAGGCCAGGTCCAGCGTGCCCTCGCCCCGGTAACAAGACTGCAGCCGCTCCTTAATGC[G>A]GTCATTTATCTGCTTCAAGATGAAGATGCACAGGGCCGACTCATCCAGGGATTTCATTTT-3'
Protein context (NP_065962.1, residues 356-376): CIFILKQIND[Arg366Cys]IKERLQSCYR